The following is an entry in ClinVar:

NM_018245.3(OGDHL):c.485A>G (p.Tyr162Cys)

Gene: OGDHL (oxoglutarate dehydrogenase L; minus strand). Cytogenetic location: 10q11.23.
Variant type: single nucleotide variant.
Coding change: c.485A>G on transcript NM_018245.3 (MANE Select); coding-DNA position 485, A replaced by G.
Protein change: p.Tyr162Cys; replaces tyrosine 162 with cysteine.
Molecular consequence: missense variant. On other transcripts: 5 prime UTR variant (5), non-coding transcript variant (5).
Genome position (GRCh38, 1-based): chr10:49,752,242, T>C on the plus strand (A>G on the coding strand, the complement: OGDHL is on the minus strand). VCF-style: chr10-49752242-T-C. GRCh37 (hg19) VCF-style: chr10-50960288-T-C.
Other names: c.314A>G, p.Tyr105Cys (NM_001143996.2, NM_001347820.1); c.-143A>G (NM_001143997.2, NM_001347821.2, NM_001347822.1 and 1 more transcripts); c.485A>G, p.Tyr162Cys (NM_001347819.1, NM_001347823.1, NM_001347824.2); c.-442A>G (NM_001347826.1); short protein forms Y105C, Y162C.
Identifiers: ClinVar variation 4125297 (VCV004125297.2).

ClinVar aggregate classification (germline): Conflicting classifications of pathogenicity. Review status: criteria provided, conflicting classifications (1 of 4 stars). 2 submissions from 2 submitters: Uncertain significance (1); Likely benign (1). Last evaluated 2026-02-01.

Conditions:
Yoon-Bellen neurodevelopmental syndrome (YOBELN). Identifiers: MedGen C5562066, MONDO:0859221, OMIM 619701.
Inborn genetic diseases. Identifiers: MedGen C0950123, MeSH D030342.

gnomAD v4.1: 92 of 1,613,372 alleles (0.0057%); highest among the groups gnomAD compares: African/African-American, 0.0093%; no homozygotes.

Submissions (2):

Egypt Genome Project
Classification: Likely benign for Yoon-Bellen neurodevelopmental syndrome. Last evaluated: 2026-02-01. Review status: criteria provided, single submitter. Criteria: ACMG Guidelines, 2015. Collection method: research. Allele origin: germline. Affected: yes.
Comment: The NM_018245.3 c.485A>G A is classified as Likely Benign based on the AMCG/AMP criteria (BS1, PM3-supporting, BP4)

Ambry Genetics
Classification: Uncertain significance for Inborn genetic diseases. Last evaluated: 2025-08-19. Review status: criteria provided, single submitter. Criteria: Ambry Variant Classification Scheme 2023. Collection method: clinical testing. Allele origin: germline.